The following is an entry in ClinVar:

ClinVar aggregate classification (germline): Uncertain significance (1 of 4 stars; one submission).

Submission:

CeGaT Center for Human Genetics Tuebingen
Classification: Uncertain significance. Last evaluated: 2025-02-01. Review status: criteria provided, single submitter. Criteria: CeGaT Center For Human Genetics Tuebingen Variant Classification Criteria Version 2. Collection method: clinical testing. Allele origin: germline. Affected: yes. Observed: 1 variant allele.
Comment: THSD4: PM2, BP4

NM_024817.3(THSD4):c.691C>T (p.Pro231Ser)

Gene: THSD4 (thrombospondin type 1 domain containing 4; plus strand). Cytogenetic location: 15q23.
Variant type: single nucleotide variant.
Coding change: c.691C>T on transcript NM_024817.3 (MANE Select); coding-DNA position 691, C replaced by T.
Protein change: p.Pro231Ser; replaces proline 231 with serine.
Molecular consequence: missense variant.
Genome position (GRCh38, 1-based): chr15:71,242,875, C>T. VCF-style: chr15-71242875-C-T. GRCh37 (hg19) VCF-style: chr15-71535214-C-T.
Other names: c.691C>T, p.Pro231Ser (NM_001394532.1); short protein forms P231S.
Identifiers: ClinVar variation 3772445 (VCV003772445.13).
Genomic context (GRCh38, chr15:71,242,875, plus strand): 5'-TACAGTTCACCAGCCCACCAGGTCCCCCAACATGGGCCTTTGTACCAAAGTGACAGTGGC[C>T]CTCGCTCTGGACTGCAGGCTGCGGAGGCCCCCATCTACCAGCTACCTTTGACCCATGATC-3'
Protein context (NP_079093.2, residues 221-241): HGPLYQSDSG[Pro231Ser]RSGLQAAEAP